The following is an entry in ClinVar:

ClinVar aggregate classification (germline): Uncertain significance (1 of 4 stars; one submission).

Conditions:
Autosomal recessive limb-girdle muscular dystrophy type R18 (LGMDR18). Also called: Limb-girdle muscular dystrophy, type 2S; MUSCULAR DYSTROPHY, LIMB-GIRDLE, AUTOSOMAL RECESSIVE 18; Autosomal recessive limb-girdle muscular dystrophy type 2S. Identifiers: Orphanet 369840, MedGen C4517996, MONDO:0014144, OMIM 615356.

Allele frequency attached by ClinVar (database versions not stated): gnomAD exomes 0.00001.

Submission:

Labcorp Genetics (formerly Invitae), Labcorp
Classification: Uncertain significance for Autosomal recessive limb-girdle muscular dystrophy type R18. Last evaluated: 2022-03-19. Review status: criteria provided, single submitter. Criteria: Invitae Variant Classification Sherloc (09022015). Collection method: clinical testing. Allele origin: germline.
Comment: In summary, the available evidence is currently insufficient to determine the role of this variant in disease. Therefore, it has been classified as a Variant of Uncertain Significance. Algorithms developed to predict the effect of missense changes on protein structure and function are either unavailable or do not agree on the potential impact of this missense change (SIFT: "Deleterious"; PolyPhen-2: "Possibly Damaging"; Align-GVGD: "Class C0"). This variant has not been reported in the literature in individuals affected with TRAPPC11-related conditions. This variant is present in population databases (no rsID available, gnomAD 0.006%). This sequence change replaces leucine, which is neutral and non-polar, with phenylalanine, which is neutral and non-polar, at codon 520 of the TRAPPC11 protein (p.Leu520Phe).

NM_021942.6(TRAPPC11):c.1558C>T (p.Leu520Phe)

Gene: TRAPPC11 (trafficking protein particle complex subunit 11; plus strand). Cytogenetic location: 4q35.1.
Variant type: single nucleotide variant.
Coding change: c.1558C>T on transcript NM_021942.6 (MANE Select); coding-DNA position 1558, C replaced by T.
Protein change: p.Leu520Phe; replaces leucine 520 with phenylalanine.
Molecular consequence: missense variant.
Genome position (GRCh38, 1-based): chr4:183,684,832, C>T. VCF-style: chr4-183684832-C-T. GRCh37 (hg19) VCF-style: chr4-184605985-C-T.
Other names: c.1558C>T, p.Leu520Phe (NM_199053.3); short protein forms L520F.
Identifiers: ClinVar variation 1895466 (VCV001895466.3), dbSNP rs1190251259, ClinGen allele CA358867696.